The following is an entry in ClinVar:

NM_018646.6(TRPV6):c.1685del (p.His562fs)

Gene: TRPV6 (transient receptor potential cation channel subfamily V member 6; minus strand). Cytogenetic location: 7q34.
Variant type: Deletion.
Coding change: c.1685del on transcript NM_018646.6 (MANE Select); coding-DNA position 1685, one base deleted (A; older notation c.1685delA).
Protein change: p.His562fs; shifts the reading frame from histidine 562.
Molecular consequence: frameshift variant.
Genome position (GRCh38, 1-based): chr7:142,873,671, T deleted on the plus strand (A on the coding strand, the reverse complement: TRPV6 is on the minus strand). VCF-style (leftmost placement, unchanged base first): chr7-142873670-GT-G. GRCh37 (hg19) VCF-style: chr7-142571423-GT-G.
Other names: short protein forms H562fs.
Identifiers: ClinVar variation 3630503 (VCV003630503.2).

ClinVar aggregate classification (germline): Pathogenic (1 of 4 stars; one submission).

Submission:

Labcorp Genetics (formerly Invitae), Labcorp
Classification: Pathogenic. Last evaluated: 2024-08-12. Review status: criteria provided, single submitter. Criteria: Invitae Variant Classification Sherloc (09022015). Collection method: clinical testing. Allele origin: germline.
Comment: This sequence change creates a premature translational stop signal (p.His562Profs*56) in the TRPV6 gene. It is expected to result in an absent or disrupted protein product. Loss-of-function variants in TRPV6 are known to be pathogenic (PMID: 29861107, 30144375). This variant is not present in population databases (gnomAD no frequency). This variant has not been reported in the literature in individuals affected with TRPV6-related conditions. For these reasons, this variant has been classified as Pathogenic.

Literature cited by the submitters: PubMed 29861107; PubMed 30144375.